The following is an entry in ClinVar:

ClinVar aggregate classification (germline): Uncertain significance (1 of 4 stars; one submission).

Conditions:
Long QT syndrome (LQTS). Identifiers: MedGen C0023976, MeSH D008133, MONDO:0002442. Disease mechanism: loss of function. Inheritance: Various modes of inheritance.

Allele frequency attached by ClinVar (database versions not stated): gnomAD exomes below 0.00001.
gnomAD v4.1: 1 of 1,613,774 alleles (0.000062%); highest among the groups gnomAD compares: Non-Finnish European, 0.000085%; no homozygotes.

Submission:

Labcorp Genetics (formerly Invitae), Labcorp
Classification: Uncertain significance for Long QT syndrome. Last evaluated: 2023-10-24. Review status: criteria provided, single submitter. Criteria: Invitae Variant Classification Sherloc (09022015). Collection method: clinical testing. Allele origin: germline.
Comment: This sequence change replaces proline, which is neutral and non-polar, with glutamine, which is neutral and polar, at codon 861 of the CACNA1C protein (p.Pro861Gln). This variant is not present in population databases (gnomAD no frequency). This variant has not been reported in the literature in individuals affected with CACNA1C-related conditions. Advanced modeling of protein sequence and biophysical properties (such as structural, functional, and spatial information, amino acid conservation, physicochemical variation, residue mobility, and thermodynamic stability) performed at Invitae indicates that this missense variant is not expected to disrupt CACNA1C protein function with a negative predictive value of 80%. In summary, the available evidence is currently insufficient to determine the role of this variant in disease. Therefore, it has been classified as a Variant of Uncertain Significance.

NM_000719.7(CACNA1C):c.2582C>A (p.Pro861Gln)

Gene: CACNA1C (calcium voltage-gated channel subunit alpha1 C; plus strand). Cytogenetic location: 12p13.33.
Variant type: single nucleotide variant.
Coding change: c.2582C>A on transcript NM_000719.7 (MANE Select); coding-DNA position 2582, C replaced by A.
Protein change: p.Pro861Gln; replaces proline 861 with glutamine.
Molecular consequence: missense variant.
Genome position (GRCh38, 1-based): chr12:2,593,264, C>A. VCF-style: chr12-2593264-C-A. GRCh37 (hg19) VCF-style: chr12-2702430-C-A.
Other names: c.2582C>A, p.Pro861Gln (NM_001129833.2, NM_001129834.2, NM_001129835.2 and 18 more transcripts); c.2573C>A, p.Pro858Gln (NM_001129844.2); short protein forms P861Q, P858Q.
Identifiers: ClinVar variation 2771521 (VCV002771521.3), dbSNP rs2516456324, ClinGen allele CA383372164.